The following is an entry in ClinVar:

ClinVar aggregate classification (germline): Uncertain significance. Review status: criteria provided, multiple submitters, no conflicts (2 of 4 stars). 2 submissions from 2 submitters: Uncertain significance (2). Last evaluated 2025-05-28.

Conditions:
LRRK2-related disorder. Also called: LRRK2-related condition.
Autosomal dominant Parkinson disease 8. Also called: LRRK2-Related Parkinson Disease; Parkinson disease 8; Parkinson disease 8, susceptibility to. Identifiers: Orphanet 411602, MedGen C1846862, MONDO:0011764, OMIM 607060.

gnomAD v4.1: 8 of 1,613,106 alleles (0.0005%); highest among the groups gnomAD compares: East Asian, 0.0022%; no homozygotes.

Submissions (2):

PreventionGenetics, part of Exact Sciences
Classification: Uncertain significance for LRRK2-related condition. Last evaluated: 2025-05-28. Review status: criteria provided, single submitter. Criteria: ACMG Guidelines, 2015. Collection method: clinical testing. Allele origin: germline.
Comment: The LRRK2 c.5458G>A variant is predicted to result in the amino acid substitution p.Glu1820Lys. This variant was reported in an individual in the control group for a Parkinson disease cohort study (Supplementary Table 5, Kumar et al. 2020. PubMed ID: 32707456). This variant is reported in 0.0062% of alleles in individuals of African descent in gnomAD. At this time, the clinical significance of this variant is uncertain due to the absence of conclusive functional and genetic evidence.

Fulgent Genetics
Classification: Uncertain significance for Autosomal dominant Parkinson disease 8. Last evaluated: 2024-05-21. Review status: criteria provided, single submitter. Criteria: ACMG Guidelines, 2015. Collection method: clinical testing. Allele origin: germline.

NM_198578.4(LRRK2):c.5458G>A (p.Glu1820Lys)

Gene: LRRK2 (leucine rich repeat kinase 2; plus strand). Cytogenetic location: 12q12.
Variant type: single nucleotide variant.
Coding change: c.5458G>A on transcript NM_198578.4 (MANE Select); coding-DNA position 5458, G replaced by A.
Protein change: p.Glu1820Lys; replaces glutamic acid 1820 with lysine.
Molecular consequence: missense variant.
Genome position (GRCh38, 1-based): chr12:40,322,459, G>A. VCF-style: chr12-40322459-G-A. GRCh37 (hg19) VCF-style: chr12-40716261-G-A.
Other names: c.5458G>A (NM_198578.3); short protein forms E1820K.
Identifiers: ClinVar variation 3574573 (VCV003574573.2).